The following is an entry in ClinVar:

ClinVar aggregate classification (germline): Uncertain significance (1 of 4 stars; one submission).

Allele frequency attached by ClinVar (database versions not stated): ExAC 0.00002.
gnomAD v4.1: 3 of 1,612,790 alleles (0.00019%); highest among the groups gnomAD compares: Admixed American, 0.005%; no homozygotes.

Submission:

Labcorp Genetics (formerly Invitae), Labcorp
Classification: Uncertain significance. Last evaluated: 2022-06-20. Review status: criteria provided, single submitter. Criteria: Invitae Variant Classification Sherloc (09022015). Collection method: clinical testing. Allele origin: germline.
Comment: In summary, the available evidence is currently insufficient to determine the role of this variant in disease. Therefore, it has been classified as a Variant of Uncertain Significance. Algorithms developed to predict the effect of sequence changes on RNA splicing suggest that this variant may create or strengthen a splice site. This variant has not been reported in the literature in individuals affected with AP3B2-related conditions. This variant is present in population databases (rs768130337, gnomAD 0.01%). This sequence change falls in intron 1 of the AP3B2 gene. It does not directly change the encoded amino acid sequence of the AP3B2 protein.

NM_001278512.2(AP3B2):c.114-8C>G

Genes: AP3B2 (adaptor related protein complex 3 subunit beta 2; minus strand), CPEB1-AS1 (CPEB1 antisense RNA 1; plus strand). Cytogenetic location: 15q25.2.
Variant type: single nucleotide variant.
Coding change: c.114-8C>G on transcript NM_001278512.2 (MANE Select); 8 bases into the intron before coding-DNA position 114, C replaced by G.
Molecular consequence: intron variant.
Genome position (GRCh38, 1-based): chr15:82,689,461, G>C on the plus strand (C>G on the coding strand, the complement: AP3B2 is on the minus strand). VCF-style: chr15-82689461-G-C. GRCh37 (hg19) VCF-style: chr15-83358213-G-C.
Other names: c.114-8C>G (NM_001278511.2, NM_004644.5, NM_001348440.2).
Identifiers: ClinVar variation 1981039 (VCV001981039.4), dbSNP rs768130337, ClinGen allele CA7700600.